The following is an entry in ClinVar:

NM_000038.6(APC):c.5659A>G (p.Asn1887Asp)

Gene: APC (APC regulator of Wnt signaling pathway; plus strand). Cytogenetic location: 5q22.2.
Variant type: single nucleotide variant.
Coding change: c.5659A>G on transcript NM_000038.6 (MANE Select); coding-DNA position 5659, A replaced by G.
Protein change: p.Asn1887Asp; replaces asparagine 1887 with aspartic acid.
Molecular consequence: missense variant. On other transcripts: non-coding transcript variant (2).
Genome position (GRCh38, 1-based): chr5:112,841,253, A>G. VCF-style: chr5-112841253-A-G. GRCh37 (hg19) VCF-style: chr5-112176950-A-G.
Other names: c.5659A>G, p.Asn1887Asp (NM_001127510.3, NM_001354895.2, NM_001407450.1); c.5605A>G, p.Asn1869Asp (NM_001127511.3); c.5713A>G, p.Asn1905Asp (NM_001354896.2, NM_001407447.1, NM_001407448.1 and 1 more transcripts); c.5689A>G, p.Asn1897Asp (NM_001354897.2); c.5584A>G, p.Asn1862Asp (NM_001354898.2); c.5575A>G, p.Asn1859Asp (NM_001354899.2); c.5536A>G, p.Asn1846Asp (NM_001354900.2); c.5482A>G, p.Asn1828Asp (NM_001354901.2, NM_001407453.1); and 11 more; short protein forms N1727D, N1761D, N1796D, N1877D, N1887D, N1897D, N1503D, N1786D.
Identifiers: ClinVar variation 3929488 (VCV003929488.1).

ClinVar aggregate classification (germline): Uncertain significance (1 of 4 stars; one submission).

Conditions:
Hereditary cancer-predisposing syndrome. Also called: Hereditary Cancer Syndrome; Hereditary neoplastic syndrome; Neoplastic Syndromes, Hereditary; Tumor predisposition. Identifiers: Orphanet 140162, MedGen C0027672, MeSH D009386, MONDO:0015356.

gnomAD v4.1: 1 of 1,613,846 alleles (0.000062%); highest among the groups gnomAD compares: Non-Finnish European, 0.000085%; no homozygotes.

Submission:

Ambry Genetics
Classification: Uncertain significance for Hereditary cancer-predisposing syndrome. Last evaluated: 2025-05-17. Review status: criteria provided, single submitter. Criteria: Ambry Variant Classification Scheme 2023. Collection method: clinical testing. Allele origin: germline.
Comment: The p.N1887D variant (also known as c.5659A>G), located in coding exon 15 of the APC gene, results from an A to G substitution at nucleotide position 5659. The asparagine at codon 1887 is replaced by aspartic acid, an amino acid with highly similar properties. This amino acid position is conserved. In addition, in silico predictors for this gene do not accurately predict pathogenicity. Based on the available evidence, the clinical significance of this variant remains unclear.